The following is an entry in ClinVar:

ClinVar aggregate classification (germline): Uncertain significance (1 of 4 stars; one submission).

gnomAD v4.1: 2 of 1,612,864 alleles (0.00012%); highest among the groups gnomAD compares: South Asian, 0.0011%; no homozygotes.

Submission:

Ambry Genetics
Classification: Uncertain significance. Last evaluated: 2021-12-04. Review status: criteria provided, single submitter. Criteria: Ambry Variant Classification Scheme 2023. Collection method: clinical testing. Allele origin: germline.
Comment: The p.A38V variant (also known as c.113C>T), located in coding exon 2 of the NPAT gene, results from a C to T substitution at nucleotide position 113. The alanine at codon 38 is replaced by valine, an amino acid with similar properties. This amino acid position is conserved. In addition, this alteration is predicted to be tolerated by in silico analysis. Since supporting evidence is limited at this time, the clinical significance of this alteration remains unclear.

NM_002519.3(NPAT):c.113C>T (p.Ala38Val)

Gene: NPAT (nuclear protein, coactivator of histone transcription; minus strand). Cytogenetic location: 11q22.3.
Variant type: single nucleotide variant.
Coding change: c.113C>T on transcript NM_002519.3 (MANE Select); coding-DNA position 113, C replaced by T.
Protein change: p.Ala38Val; replaces alanine 38 with valine.
Molecular consequence: missense variant.
Genome position (GRCh38, 1-based): chr11:108,197,345, G>A on the plus strand (C>T on the coding strand, the complement: NPAT is on the minus strand). VCF-style: chr11-108197345-G-A. GRCh37 (hg19) VCF-style: chr11-108068072-G-A.
Other names: c.113C>T, p.Ala38Val (NM_001321307.1); short protein forms A38V.
Identifiers: ClinVar variation 1730849 (VCV001730849.2), dbSNP rs1053430250, ClinGen allele CA228408860.
Genomic context (GRCh38, chr11:108,197,345, plus strand): 5'-AGGAACAAATAACTCACCAGTAAGCAGGCTGGAATAAACCCTTCATCTGTACAATGTTCT[G>A]CATATTCTTTTAAATCTGAACTTTCCAAAATAAAAGTCTGGCAGGTAGAAATGAGGTTTT-3'
Protein context (NP_002510.2, residues 28-48): ILESSDLKEY[Ala38Val]EHCTDEGFIP